The following is an entry in ClinVar:

NM_000133.4(F9):c.284A>T (p.Asp95Val)

Gene: F9 (coagulation factor IX; plus strand). Cytogenetic location: Xq27.1.
Variant type: single nucleotide variant.
Coding change: c.284A>T on transcript NM_000133.4 (MANE Select); coding-DNA position 284, A replaced by T.
Protein change: p.Asp95Val; replaces aspartic acid 95 with valine.
Molecular consequence: missense variant. On other transcripts: intron variant (1).
Genome position (GRCh38, 1-based): chrX:139,541,082, A>T. VCF-style: chrX-139541082-A-T. GRCh37 (hg19) VCF-style: chrX-138623241-A-T.
Other names: c.277+3696A>T (NM_001313913.2); short protein forms D95V.
Identifiers: ClinVar variation 1684373 (VCV001684373.1), dbSNP rs1927589695, ClinGen allele CA414437373.

ClinVar aggregate classification (germline): Likely pathogenic (0 of 4 stars; one submission).

Conditions:
Hereditary factor IX deficiency disease (HEMB). Also called: F9 DEFICIENCY; FACTOR IX DEFICIENCY; PLASMA THROMBOPLASTIN COMPONENT DEFICIENCY; Hemophilia B; Christmas Disease. Identifiers: Orphanet 98879, MedGen C0008533, MeSH D002836, MONDO:0010604, OMIM 306900.

Submission:

ISTH-SSC Genomics in Thrombosis and Hemostasis, KU Leuven, Center for Molecular and Vascular Biology
Classification: Likely pathogenic for Hereditary factor IX deficiency disease. Review status: no assertion criteria provided. Collection method: research. Allele origin: unknown. Affected: yes.
Comment: Submitted to GoldVariant by Dr Karyn Mégy from NIHR Bioresource - Cambridge University, UK